The following is an entry in ClinVar:

ClinVar aggregate classification (germline): Uncertain significance (1 of 4 stars; one submission).

Conditions:
Ataxia-telangiectasia syndrome (AT). Also called: ATAXIA-TELANGIECTASIA, COMPLEMENTATION GROUP A; ATAXIA-TELANGIECTASIA, FRESNO VARIANT; Ataxia-telangiectasia, complementation group D; AT, COMPLEMENTATION GROUP C; Cerebello-oculocutaneous telangiectasia; Immunodeficiency with ataxia telangiectasia. Identifiers: Orphanet 100, MedGen C0004135, MONDO:0008840, OMIM 208900.

Submission:

Labcorp Genetics (formerly Invitae), Labcorp
Classification: Uncertain significance for Ataxia-telangiectasia syndrome. Last evaluated: 2020-02-18. Review status: criteria provided, single submitter. Criteria: Invitae Variant Classification Sherloc (09022015). Collection method: clinical testing. Allele origin: germline.
Comment: This sequence change affects codon 1412 of the ATM mRNA. It is a 'silent' change, meaning that it does not change the encoded amino acid sequence of the ATM protein. This variant is not present in population databases (ExAC no frequency). This variant has not been reported in the literature in individuals with ATM-related conditions. Algorithms developed to predict the effect of sequence changes on RNA splicing suggest that this variant may create or strengthen a splice site, but this prediction has not been confirmed by published transcriptional studies. In summary, the available evidence is currently insufficient to determine the role of this variant in disease. Therefore, it has been classified as a Variant of Uncertain Significance.

NM_000051.4(ATM):c.4236T>G (p.Pro1412=)

Gene: ATM (ATM serine/threonine kinase; plus strand). Cytogenetic location: 11q22.3.
Variant type: single nucleotide variant.
Coding change: c.4236T>G on transcript NM_000051.4 (MANE Select); coding-DNA position 4236, T replaced by G.
Protein change: p.Pro1412=; no amino-acid change (proline 1412 retained).
Molecular consequence: synonymous variant.
Genome position (GRCh38, 1-based): chr11:108,289,103, T>G. VCF-style: chr11-108289103-T-G. GRCh37 (hg19) VCF-style: chr11-108159830-T-G.
Other names: c.4236T>G, p.Pro1412= (NM_001351834.2).
Identifiers: ClinVar variation 1040295 (VCV001040295.9), dbSNP rs1326629661, ClinGen allele CA476673743.
Genomic context (GRCh38, chr11:108,289,103, plus strand): 5'-TATCAGCAATTGTCATAAAACCAAGTTAAAAAGCATTTTAGAAATTCTTTCCAAAAGCCC[T>G]GTAAGTATACATGATGAGTTTAATAATAGAACATTCCTTCTTTTTTAGCTAAAAAAACTT-3'
Protein context (NP_000042.3, residues 1402-1422): KSILEILSKS[Pro1412=]DSYQKILLAI